The following is an entry in ClinVar:

NM_001379500.1(COL18A1):c.107-11514G>A

Gene: COL18A1 (collagen type XVIII alpha 1 chain; plus strand). Cytogenetic location: 21q22.3.
Variant type: single nucleotide variant.
Coding change: c.107-11514G>A on transcript NM_001379500.1 (MANE Select); 11514 bases into the intron before coding-DNA position 107, G replaced by A.
Molecular consequence: intron variant. On other transcripts: missense variant (1).
Genome position (GRCh38, 1-based): chr21:45,456,728, G>A. VCF-style: chr21-45456728-G-A. GRCh37 (hg19) VCF-style: chr21-46876642-G-A.
Other names: NM_130445.3:c.107-11514G>A; c.1198G>A, p.Val400Ile (NM_130444.3); c.646+552G>A (NM_030582.4); short protein forms V400I.
Identifiers: ClinVar variation 1304918 (VCV001304918.12), dbSNP rs780737161, ClinGen allele CA10065639.

ClinVar aggregate classification (germline): Uncertain significance. Review status: criteria provided, multiple submitters, no conflicts (2 of 4 stars). 3 submissions from 3 submitters: Uncertain significance (2). 1 of the submissions does not count toward it. Last evaluated 2025-08-01.

Conditions:
COL18A1-related disorder. Also called: COL18A1-related disorders; COL18A1-related condition.

Allele frequency attached by ClinVar (database versions not stated): gnomAD 0.00011 and 0.00013; ExAC 0.00018; TOPMed 0.00021; gnomAD exomes 0.00022.
gnomAD v4.1: 422 of 1,533,980 alleles (0.028%); highest among the groups gnomAD compares: Middle Eastern, 0.067%; 1 homozygote.

Submissions (3):

CeGaT Center for Human Genetics Tuebingen
Classification: Uncertain significance. Last evaluated: 2025-08-01. Review status: criteria provided, single submitter. Criteria: CeGaT Center For Human Genetics Tuebingen Variant Classification Criteria Version 2. Collection method: clinical testing. Allele origin: germline. Affected: yes. Observed: 1 variant allele.
Comment: COL18A1: PM2, BP4

GeneDx
Classification: Uncertain significance. Last evaluated: 2022-08-12. Review status: criteria provided, single submitter. Criteria: GeneDx Variant Classification Process June 2021. Collection method: clinical testing. Allele origin: germline. Affected: yes.
Comment: In silico analysis supports that this missense variant does not alter protein structure/function; Has not been previously published as pathogenic or benign to our knowledge; Reported using an alternate transcript of the gene

PreventionGenetics, part of Exact Sciences
Classification: Likely benign for COL18A1-related condition. Last evaluated: 2024-09-16. Review status: no assertion criteria provided. Collection method: clinical testing. Allele origin: germline. Not counted in ClinVar's aggregate classification.
Comment: This variant is classified as likely benign based on ACMG/AMP sequence variant interpretation guidelines (Richards et al. 2015 PMID: 25741868, with internal and published modifications).